The following is an entry in ClinVar:

ClinVar aggregate classification (germline): Conflicting classifications of pathogenicity. Review status: criteria provided, conflicting classifications (1 of 4 stars). 6 submissions from 5 submitters: Uncertain significance (1); Benign (4). 1 of the submissions does not count toward it. Last evaluated 2026-02-04.

Conditions:
Usher syndrome type 1 (USH1). Also called: RETINITIS PIGMENTOSA AND CONGENITAL DEAFNESS. Identifiers: Orphanet 231169, Orphanet 886, MedGen C1568247, MONDO:0010168, OMIM 276900.
Autosomal recessive nonsyndromic hearing loss 12. Also called: DEAFNESS, AUTOSOMAL RECESSIVE 12. Identifiers: Orphanet 90636, MedGen C1832394, MONDO:0011067, OMIM 601386.
Usher syndrome type 1D (USH1D). Also called: USHER SYNDROME, TYPE ID. Identifiers: Orphanet 231169, Orphanet 886, MedGen C1832845, MONDO:0010984, OMIM 601067.

Allele frequency attached by ClinVar (database versions not stated): 1000 Genomes Project 30x 0.00812; ESP Exome Variant Server 0.00971; gnomAD 0.00999 and 0.00921; gnomAD exomes 0.00210 and 0.00081; 1000 Genomes Project 0.00819; TOPMed 0.01022; ExAC 0.00279.
gnomAD v4.1: 2,634 of 1,612,846 alleles (0.16%); highest among the groups gnomAD compares: African/African-American, 3.2%; 51 homozygotes.

Submissions (6):

Labcorp Genetics (formerly Invitae), Labcorp
Classification: Benign. Last evaluated: 2026-02-04. Review status: criteria provided, single submitter. Criteria: Invitae Variant Classification Sherloc (09022015). Collection method: clinical testing. Allele origin: germline.

Illumina Laboratory Services, Illumina
Classification: Uncertain significance for Autosomal recessive nonsyndromic hearing loss 12. Last evaluated: 2018-01-12. Review status: criteria provided, single submitter. Criteria: ICSL Variant Classification Criteria 13 December 2019. Collection method: clinical testing. Allele origin: germline.

Illumina Laboratory Services, Illumina
Classification: Benign for Usher syndrome type 1D. Last evaluated: 2018-01-12. Review status: criteria provided, single submitter. Criteria: ICSL Variant Classification Criteria 13 December 2019. Collection method: clinical testing. Allele origin: germline.
Comment: This variant was observed in the ICSL laboratory as part of a predisposition screen in an ostensibly healthy population. It had not been previously curated by ICSL or reported in the Human Gene Mutation Database (HGMD: prior to June 1st, 2018), and was therefore a candidate for classification through an automated scoring system. Utilizing variant allele frequency, disease prevalence and penetrance estimates, and inheritance mode, an automated score was calculated to assess if this variant is too frequent to cause the disease. Based on the score and internal cut-off values, a variant classified as benign is not then subjected to further curation. The score for this variant resulted in a classification of benign for this disease.

GeneDx
Classification: Benign. Last evaluated: 2016-11-11. Review status: criteria provided, single submitter. Criteria: GeneDx Variant Classification (06012015). Collection method: clinical testing. Allele origin: germline. Affected: yes.
Comment: This variant is considered likely benign or benign based on one or more of the following criteria: it is a conservative change, it occurs at a poorly conserved position in the protein, it is predicted to be benign by multiple in silico algorithms, and/or has population frequency not consistent with disease.

Laboratory for Molecular Medicine, Mass General Brigham Personalized Medicine
Classification: Benign. Last evaluated: 2011-11-03. Review status: criteria provided, single submitter. Criteria: LMM Criteria. Collection method: clinical testing. Allele origin: germline. Observed: 11 variant alleles.
Comment: Val1192Ile in exon 30 of CDH23: This variant is not expected to have clinical si gnificance because it has been identified in dbSNP in 4.2% (5/118) West African control chromosomes and 1.2% (11/917) mixed race control chromosomes (rs80028391 ).

Natera, Inc.
Classification: Likely benign for Usher syndrome type 1. Last evaluated: 2019-12-03. Review status: no assertion criteria provided. Collection method: clinical testing. Allele origin: germline. Not counted in ClinVar's aggregate classification.

NM_022124.6(CDH23):c.3574G>A (p.Val1192Ile)

Genes: C10orf105 (chromosome 10 open reading frame 105; minus strand), CDH23 (cadherin related 23; plus strand). Cytogenetic location: 10q22.1.
Variant type: single nucleotide variant.
Coding change: c.3574G>A on transcript NM_022124.6 (MANE Select); coding-DNA position 3574, G replaced by A.
Protein change: p.Val1192Ile; replaces valine 1192 with isoleucine.
Molecular consequence: missense variant. On other transcripts: intron variant (1).
Genome position (GRCh38, 1-based): chr10:71,725,515, G>A. VCF-style: chr10-71725515-G-A. GRCh37 (hg19) VCF-style: chr10-73485272-G-A.
Other names: c.3574G>A, p.Val1192Ile (NM_001171930.2); c.-5-9173C>T (NM_001168390.2); short protein forms V1192I.
Identifiers: ClinVar variation 45923 (VCV000045923.20), dbSNP rs80028391, ClinGen allele CA137382.
Genomic context (GRCh38, chr10:71,725,515, plus strand): 5'-TCATCCCACGTGCTGATAGTGGAGGCCTACAACCACGACCTGGGCCCCATGCGGAGCTCC[G>A]TCAGGGTGAGGCTAGGGGCGGGCTGGGGTGCTGACCTCAGGACGGGGCCAAGCCCACAGC-3'
Protein context (NP_071407.4, residues 1182-1202): NHDLGPMRSS[Val1192Ile]RVIVYVEDIN